The following is an entry in ClinVar:

ClinVar aggregate classification (germline): Uncertain significance (1 of 4 stars; one submission).

Conditions:
Myofibrillar myopathy 6. Identifiers: Orphanet 199340, MedGen C2751831, MONDO:0013061, OMIM 612954.
Dilated cardiomyopathy 1HH (CMD1HH). Identifiers: Orphanet 154, MedGen C3151293, MONDO:0013479, OMIM 613881.

Submission:

Labcorp Genetics (formerly Invitae), Labcorp
Classification: Uncertain significance for Dilated cardiomyopathy 1HH; Myofibrillar myopathy 6. Last evaluated: 2024-06-07. Review status: criteria provided, single submitter. Criteria: Invitae Variant Classification Sherloc (09022015). Collection method: clinical testing. Allele origin: germline.
Comment: This sequence change replaces aspartic acid, which is acidic and polar, with tyrosine, which is neutral and polar, at codon 440 of the BAG3 protein (p.Asp440Tyr). This variant is not present in population databases (gnomAD no frequency). This variant has not been reported in the literature in individuals affected with BAG3-related conditions. Advanced modeling of protein sequence and biophysical properties (such as structural, functional, and spatial information, amino acid conservation, physicochemical variation, residue mobility, and thermodynamic stability) performed at Invitae indicates that this missense variant is not expected to disrupt BAG3 protein function with a negative predictive value of 80%. In summary, the available evidence is currently insufficient to determine the role of this variant in disease. Therefore, it has been classified as a Variant of Uncertain Significance.

NM_004281.4(BAG3):c.1318G>T (p.Asp440Tyr)

Gene: BAG3 (BAG cochaperone 3; plus strand). Cytogenetic location: 10q26.11.
Variant type: single nucleotide variant.
Coding change: c.1318G>T on transcript NM_004281.4 (MANE Select); coding-DNA position 1318, G replaced by T.
Protein change: p.Asp440Tyr; replaces aspartic acid 440 with tyrosine.
Molecular consequence: missense variant.
Genome position (GRCh38, 1-based): chr10:119,676,872, G>T. VCF-style: chr10-119676872-G-T. GRCh37 (hg19) VCF-style: chr10-121436384-G-T.
Other names: short protein forms D440Y.
Identifiers: ClinVar variation 3751171 (VCV003751171.2).
Genomic context (GRCh38, chr10:119,676,872, plus strand): 5'-CCAGGAGTGCTGAAAGTGGAAGCCATCCTGGAGAAGGTACAGGGGCTGGAGCAGGCTGTA[G>T]ACAACTTTGAAGGCAAGAAGACTGACAAAAAGTACCTGATGATCGAAGAGTATTTGACCA-3'
Protein context (NP_004272.2, residues 430-450): EKVQGLEQAV[Asp440Tyr]NFEGKKTDKK